The following is an entry in ClinVar:

ClinVar aggregate classification (germline): Pathogenic (1 of 4 stars; one submission).

Conditions:
Familial adenomatous polyposis 1 (FAP1). Also called: POLYPOSIS, ADENOMATOUS INTESTINAL; FAMILIAL ADENOMATOUS POLYPOSIS 1, ATTENUATED. Identifiers: MedGen C2713442, MONDO:0021056, OMIM 175100. Disease mechanism: loss of function.

Submission:

Labcorp Genetics (formerly Invitae), Labcorp
Classification: Pathogenic for Familial adenomatous polyposis 1. Last evaluated: 2020-10-15. Review status: criteria provided, single submitter. Criteria: Invitae Variant Classification Sherloc (09022015). Collection method: clinical testing. Allele origin: germline.
Comment: This variant is not present in population databases (ExAC no frequency). This variant is expected to disrupt the EB1 and HDLG binding sites, which mediate interactions with the cytoskeleton (PMID: 15311282, 17293347). While functional studies have not been performed to directly test the effect on APC protein function, this suggests that disruption of the C-terminal portion of the protein is functionally important. For these reasons, this variant has been classified as Pathogenic. A different truncation (p.Tyr2645Lysfs*14) that lies downstream of this variant has been determined to be pathogenic (PMID: 9824584, 1316610, 27081525, 8381579, 22135120, Invitae). This suggests that deletion of this region of the APC protein is causative of disease. This variant has not been reported in the literature in individuals with APC-related conditions. This sequence change results in a premature translational stop signal in the APC gene (p.Asp1174Ilefs*8). While this is not anticipated to result in nonsense mediated decay, it is expected to disrupt the last 1670 amino acid(s) of the APC protein.

Literature cited by the submitters: PubMed 15311282; PubMed 17293347; PubMed 9824584; PubMed 1316610; PubMed 27081525; PubMed 8381579; PubMed 22135120.

NM_000038.6(APC):c.3520del (p.Asp1174fs)

Gene: APC (APC regulator of Wnt signaling pathway; plus strand). Cytogenetic location: 5q22.2.
Variant type: Deletion.
Coding change: c.3520del on transcript NM_000038.6 (MANE Select); coding-DNA position 3520, one base deleted (G; older notation c.3520delG).
Protein change: p.Asp1174fs; shifts the reading frame from aspartic acid 1174.
Molecular consequence: frameshift variant.
Genome position (GRCh38, 1-based): chr5:112,839,114, G deleted; the last of 2 consecutive G bases (chr5:112,839,113-112,839,114); deleting either gives the same sequence. VCF-style (leftmost placement, unchanged base first): chr5-112839112-TG-T. GRCh37 (hg19) VCF-style: chr5-112174809-TG-T.
Other names: c.3520del, p.Asp1174fs (NM_001127510.3, NM_001354895.2); c.3466del, p.Asp1156fs (NM_001127511.3); c.3574del, p.Asp1192fs (NM_001354896.2); c.3550del, p.Asp1184fs (NM_001354897.2); c.3445del, p.Asp1149fs (NM_001354898.2); c.3436del, p.Asp1146fs (NM_001354899.2); c.3397del, p.Asp1133fs (NM_001354900.2); c.3343del, p.Asp1115fs (NM_001354901.2); and 5 more; short protein forms D1014fs, D1048fs, D1073fs, D1083fs, D1115fs, D1133fs, D1146fs, D1149fs.
Identifiers: ClinVar variation 1074093 (VCV001074093.10), dbSNP rs2149893575, ClinGen allele CA445963551.
Genomic context (GRCh38, chr5:112,839,112, plus strand): 5'-ATGAAGAAGAAGAGAGACCAACAAATTATAGCATAAAATATAATGAAGAGAAACGTCATG[TG>T]GATCAGCCTATTGATTATAGTTTAAAATATGCCACAGATATTCCTTCATCACAGAAACAG-3'